The following is an entry in ClinVar:

ClinVar aggregate classification (germline): Likely pathogenic (1 of 4 stars; one submission).

Conditions:
Multiple sulfatase deficiency (MSD). Also called: Mucosulfatidosis; Multiple Sulfatase Deficiency Disease; Sulfatidosis, Juvenile, Austin Type. Identifiers: Orphanet 585, MedGen C0268263, MONDO:0010088, OMIM 272200.

Submission:

Labcorp Genetics (formerly Invitae), Labcorp
Classification: Likely pathogenic for Multiple sulfatase deficiency. Last evaluated: 2026-01-13. Review status: criteria provided, single submitter. Criteria: Invitae Variant Classification Sherloc (09022015). Collection method: clinical testing. Allele origin: germline.
Comment: This sequence change replaces alanine, which is neutral and non-polar, with threonine, which is neutral and polar, at codon 348 of the SUMF1 protein (p.Ala348Thr). This variant is not present in population databases (gnomAD no frequency). This variant has not been reported in the literature in individuals affected with SUMF1-related conditions. Invitae Evidence Modeling of protein sequence and biophysical properties (such as structural, functional, and spatial information, amino acid conservation, physicochemical variation, residue mobility, and thermodynamic stability) indicates that this missense variant is expected to disrupt SUMF1 protein function with a positive predictive value of 95%. This variant disrupts the p.Ala348 amino acid residue in SUMF1. Other variant(s) that disrupt this residue have been determined to be pathogenic (PMID: 12757706; internal data). This suggests that this residue is clinically significant, and that variants that disrupt this residue are likely to be disease-causing. In summary, the currently available evidence indicates that the variant is pathogenic, but additional data are needed to prove that conclusively. Therefore, this variant has been classified as Likely Pathogenic.

Literature cited by the submitters: PubMed 12757706.

NM_182760.4(SUMF1):c.1042G>A (p.Ala348Thr)

Gene: SUMF1 (sulfatase modifying factor 1; minus strand). Cytogenetic location: 3p26.1.
Variant type: single nucleotide variant.
Coding change: c.1042G>A on transcript NM_182760.4 (MANE Select); coding-DNA position 1042, G replaced by A.
Protein change: p.Ala348Thr; replaces alanine 348 with threonine.
Molecular consequence: missense variant.
Genome position (GRCh38, 1-based): chr3:4,362,227, C>T on the plus strand (G>A on the coding strand, the complement: SUMF1 is on the minus strand). VCF-style: chr3-4362227-C-T. GRCh37 (hg19) VCF-style: chr3-4403911-C-T.
Other names: c.967G>A, p.Ala323Thr (NM_001164674.2); c.982G>A, p.Ala328Thr (NM_001164675.2); short protein forms A328T, A348T, A323T.
Identifiers: ClinVar variation 4717178 (VCV004717178.1).